The following is an entry in ClinVar:

ClinVar aggregate classification (germline): Benign (0 of 4 stars; one submission).

Conditions:
PLXNB1-related disorder. Also called: PLXNB1-related condition.

Allele frequency attached by ClinVar (database versions not stated): ExAC 0.00120; ESP Exome Variant Server 0.00371; gnomAD 0.00385; 1000 Genomes Project 0.00399; 1000 Genomes Project 30x 0.00406.
gnomAD v4.1: 1,293 of 1,613,698 alleles (0.08%); highest among the groups gnomAD compares: African/African-American, 1.3%; 7 homozygotes.

Submission:

PreventionGenetics, part of Exact Sciences
Classification: Benign for PLXNB1-related condition. Last evaluated: 2019-06-04. Review status: no assertion criteria provided. Collection method: clinical testing. Allele origin: germline.
Comment: This variant is classified as benign based on ACMG/AMP sequence variant interpretation guidelines (Richards et al. 2015 PMID: 25741868, with internal and published modifications).

NM_001130082.3(PLXNB1):c.909C>G (p.Pro303=)

Gene: PLXNB1 (plexin B1; minus strand). Cytogenetic location: 3p21.31.
Variant type: single nucleotide variant.
Coding change: c.909C>G on transcript NM_001130082.3 (MANE Select); coding-DNA position 909, C replaced by G.
Protein change: p.Pro303=; no amino-acid change (proline 303 retained).
Molecular consequence: synonymous variant.
Genome position (GRCh38, 1-based): chr3:48,423,703, G>C on the plus strand (C>G on the coding strand, the complement: PLXNB1 is on the minus strand). VCF-style: chr3-48423703-G-C. GRCh37 (hg19) VCF-style: chr3-48465112-G-C.
Other names: c.909C>G, p.Pro303= (NM_002673.6).
Identifiers: ClinVar variation 3041798 (VCV003041798.2), dbSNP rs113923687, ClinGen allele CA2375256.